The following is an entry in ClinVar:

ClinVar aggregate classification (germline): Pathogenic (1 of 4 stars; one submission).

Conditions:
Early-infantile DEE. Also called: Early infantile epileptic encephalopathy; Ohtahara syndrome; Early infantile epileptic encephalopathy with suppression bursts. Identifiers: Orphanet 1934, MedGen C0393706, MONDO:0800491.

Submission:

Labcorp Genetics (formerly Invitae), Labcorp
Classification: Pathogenic for Early-infantile DEE. Last evaluated: 2021-11-11. Review status: criteria provided, single submitter. Criteria: Invitae Variant Classification Sherloc (09022015). Collection method: clinical testing. Allele origin: germline.
Comment: For these reasons, this variant has been classified as Pathogenic. Advanced modeling of protein sequence and biophysical properties (such as structural, functional, and spatial information, amino acid conservation, physicochemical variation, residue mobility, and thermodynamic stability) performed at Invitae indicates that this missense variant is expected to disrupt SCN1A protein function. This missense change has been observed in individual(s) with Dravet syndrome (PMID: 28012175, 31864146). In at least one individual the variant was observed to be de novo. This variant is not present in population databases (gnomAD no frequency). This sequence change replaces phenylalanine, which is neutral and non-polar, with serine, which is neutral and polar, at codon 312 of the SCN1A protein (p.Phe312Ser).

Literature cited by the submitters: PubMed 28012175; PubMed 31864146.

NM_001165963.4(SCN1A):c.935T>C (p.Phe312Ser)

Gene: SCN1A (sodium voltage-gated channel alpha subunit 1; minus strand). Cytogenetic location: 2q24.3.
Variant type: single nucleotide variant.
Coding change: c.935T>C on transcript NM_001165963.4 (MANE Select); coding-DNA position 935, T replaced by C.
Protein change: p.Phe312Ser; replaces phenylalanine 312 with serine.
Molecular consequence: missense variant. On other transcripts: 5 prime UTR variant (1), non-coding transcript variant (1).
Genome position (GRCh38, 1-based): chr2:166,051,748, A>G on the plus strand (T>C on the coding strand, the complement: SCN1A is on the minus strand). VCF-style: chr2-166051748-A-G. GRCh37 (hg19) VCF-style: chr2-166908258-A-G.
Other names: c.935T>C, p.Phe312Ser (NM_001165964.3, NM_001202435.3, NM_001353948.2 and 10 more transcripts); c.-1491T>C (NM_001353961.2); short protein forms F312S.
Identifiers: ClinVar variation 1455840 (VCV001455840.7), dbSNP rs886044441, ClinGen allele CA349072559.